The following is an entry in ClinVar:

NM_024596.5(MCPH1):c.115-130G>A

Gene: MCPH1 (microcephalin 1; plus strand). Cytogenetic location: 8p23.1.
Variant type: single nucleotide variant.
Coding change: c.115-130G>A on transcript NM_024596.5 (MANE Select); 130 bases into the intron before coding-DNA position 115, G replaced by A.
Molecular consequence: intron variant.
Genome position (GRCh38, 1-based): chr8:6,414,635, G>A. VCF-style: chr8-6414635-G-A. GRCh37 (hg19) VCF-style: chr8-6272156-G-A.
Other names: c.115-130G>A (NM_001322042.2, NM_001363980.2, NM_001363979.1 and 2 more transcripts); c.109-130G>A (NM_001322043.2); c.13-130G>A (NM_001322045.2).
Identifiers: ClinVar variation 673332 (VCV000673332.1), dbSNP rs2442546, ClinGen allele CA12711461.
Genomic context (GRCh38, chr8:6,414,635, plus strand): 5'-TGAACTTGTGTGTATGATTCACCGTTGTAACTGGAACAGATATGTTTTAAGCAGCGTTAT[G>A]CATTCCTTTGAGTGTTTCTCTGTCAGATGTTGAGAAACAGAATTGCTGGGGTAGAGGTTT-3'

ClinVar aggregate classification (germline): Benign (1 of 4 stars; one submission).

Allele frequency attached by ClinVar (database versions not stated): 1000 Genomes Project 30x 0.60915; 1000 Genomes Project 0.61721; TOPMed 0.62796; gnomAD 0.64172 and 0.64882; gnomAD exomes 0.77312.
gnomAD v4.1: 680,551 of 906,062 alleles (75%); highest among the groups gnomAD compares: Admixed American, 80%; 263,528 homozygotes.

Submission:

GeneDx
Classification: Benign. Last evaluated: 2018-06-16. Review status: criteria provided, single submitter. Criteria: GeneDx Variant Classification (06012015). Collection method: clinical testing. Allele origin: germline. Affected: yes.
Comment: This variant is considered likely benign or benign based on one or more of the following criteria: it is a conservative change, it occurs at a poorly conserved position in the protein, it is predicted to be benign by multiple in silico algorithms, and/or has population frequency not consistent with disease.